The following is an entry in ClinVar:

NM_016204.4(GDF2):c.261G>C (p.Gln87His)

Gene: GDF2 (growth differentiation factor 2; plus strand). Cytogenetic location: 10q11.22.
Variant type: single nucleotide variant.
Coding change: c.261G>C on transcript NM_016204.4 (MANE Select); coding-DNA position 261, G replaced by C.
Protein change: p.Gln87His; replaces glutamine 87 with histidine.
Molecular consequence: missense variant.
Genome position (GRCh38, 1-based): chr10:47,322,929, G>C. VCF-style: chr10-47322929-G-C. GRCh37 (hg19) VCF-style: chr10-48416433-C-G.
Other names: short protein forms Q87H.
Identifiers: ClinVar variation 3620203 (VCV003620203.1).

ClinVar aggregate classification (germline): Uncertain significance (1 of 4 stars; one submission).

Conditions:
Telangiectasia, hereditary hemorrhagic, type 5 (HHT5). Identifiers: Orphanet 774, MedGen C3809710, MONDO:0014217, OMIM 615506.

gnomAD v4.1: 10 of 1,614,162 alleles (0.00062%); highest among the groups gnomAD compares: Non-Finnish European, 0.00076%; no homozygotes.

Submission:

Labcorp Genetics (formerly Invitae), Labcorp
Classification: Uncertain significance for Telangiectasia, hereditary hemorrhagic, type 5. Last evaluated: 2024-11-29. Review status: criteria provided, single submitter. Criteria: Invitae Variant Classification Sherloc (09022015). Collection method: clinical testing. Allele origin: germline.
Comment: This sequence change replaces glutamine, which is neutral and polar, with histidine, which is basic and polar, at codon 87 of the GDF2 protein (p.Gln87His). This variant is present in population databases (rs782498720, gnomAD 0.002%). This variant has not been reported in the literature in individuals affected with GDF2-related conditions. An algorithm developed to predict the effect of missense changes on protein structure and function (PolyPhen-2) suggests that this variant is likely to be disruptive. In summary, the available evidence is currently insufficient to determine the role of this variant in disease. Therefore, it has been classified as a Variant of Uncertain Significance.